The following is an entry in ClinVar:

ClinVar aggregate classification (germline): Uncertain significance (0 of 4 stars; one submission).

Conditions:
SIM1-related disorder. Also called: SIM1-related condition; SIM1-related disorders.

gnomAD v4.1: 25 of 1,614,186 alleles (0.0015%); highest among the groups gnomAD compares: Non-Finnish European, 0.0019%; no homozygotes.

Submission:

PreventionGenetics, part of Exact Sciences
Classification: Uncertain significance for SIM1-related condition. Last evaluated: 2024-08-19. Review status: no assertion criteria provided. Collection method: clinical testing. Allele origin: germline.
Comment: The SIM1 c.937A>G variant is predicted to result in the amino acid substitution p.Ile313Val. To our knowledge, this variant has not been reported in the literature. This variant is reported in 0.0029% of alleles in individuals of Latino descent in gnomAD. At this time, the clinical significance of this variant is uncertain due to the absence of conclusive functional and genetic evidence.

NM_005068.3(SIM1):c.937A>G (p.Ile313Val)

Gene: SIM1 (SIM bHLH transcription factor 1; minus strand). Cytogenetic location: 6q16.3.
Variant type: single nucleotide variant.
Coding change: c.937A>G on transcript NM_005068.3 (MANE Select); coding-DNA position 937, A replaced by G.
Protein change: p.Ile313Val; replaces isoleucine 313 with valine.
Molecular consequence: missense variant.
Genome position (GRCh38, 1-based): chr6:100,447,329, T>C on the plus strand (A>G on the coding strand, the complement: SIM1 is on the minus strand). VCF-style: chr6-100447329-T-C. GRCh37 (hg19) VCF-style: chr6-100895205-T-C.
Other names: c.937A>G, p.Ile313Val (NM_001374769.1); short protein forms I313V.
Identifiers: ClinVar variation 3355618 (VCV003355618.1).